The following is an entry in ClinVar:

NM_002860.4(ALDH18A1):c.946C>G (p.Leu316Val)

Gene: ALDH18A1 (aldehyde dehydrogenase 18 family member A1; minus strand). Cytogenetic location: 10q24.1.
Variant type: single nucleotide variant.
Coding change: c.946C>G on transcript NM_002860.4 (MANE Select); coding-DNA position 946, C replaced by G.
Protein change: p.Leu316Val; replaces leucine 316 with valine.
Molecular consequence: missense variant.
Genome position (GRCh38, 1-based): chr10:95,627,574, G>C on the plus strand (C>G on the coding strand, the complement: ALDH18A1 is on the minus strand). VCF-style: chr10-95627574-G-C. GRCh37 (hg19) VCF-style: chr10-97387331-G-C.
Other names: c.940C>G, p.Leu314Val (NM_001017423.2, NM_001323415.2); c.613C>G, p.Leu205Val (NM_001323412.2, NM_001323416.2); c.946C>G, p.Leu316Val (NM_001323413.2, NM_001323414.2); c.841C>G, p.Leu281Val (NM_001323417.2); c.607C>G, p.Leu203Val (NM_001323418.2); c.310C>G, p.Leu104Val (NM_001323419.2); short protein forms L281V, L104V, L205V, L316V, L203V, L314V.
Identifiers: ClinVar variation 2147200 (VCV002147200.4), dbSNP rs2526828670, ClinGen allele CA377703771.

ClinVar aggregate classification (germline): Uncertain significance (1 of 4 stars; one submission).

Conditions:
Autosomal dominant spastic paraplegia type 9. Identifiers: MedGen C1832669, MONDO:0015091.
de Barsy syndrome. Also called: Cutis laxa-corneal clouding-oligophrenia syndrome. Identifiers: Orphanet 2962, MedGen C0268354, MONDO:0017569.
Cutis laxa, autosomal dominant 3 (ADCL3). Identifiers: Orphanet 90348, MedGen C4225268, MONDO:0014706, OMIM 616603.

Submission:

Labcorp Genetics (formerly Invitae), Labcorp
Classification: Uncertain significance for Autosomal dominant spastic paraplegia type 9; de Barsy syndrome; Cutis laxa, autosomal dominant 3. Last evaluated: 2025-12-08. Review status: criteria provided, single submitter. Criteria: Invitae Variant Classification Sherloc (09022015). Collection method: clinical testing. Allele origin: germline.
Comment: This sequence change replaces leucine, which is neutral and non-polar, with valine, which is neutral and non-polar, at codon 316 of the ALDH18A1 protein (p.Leu316Val). This variant is not present in population databases (gnomAD no frequency). This variant has not been reported in the literature in individuals affected with ALDH18A1-related conditions. ClinVar contains an entry for this variant (Variation ID: 2147200). Invitae Evidence Modeling of protein sequence and biophysical properties (such as structural, functional, and spatial information, amino acid conservation, physicochemical variation, residue mobility, and thermodynamic stability) indicates that this missense variant is not expected to disrupt ALDH18A1 protein function with a negative predictive value of 95%. In summary, the available evidence is currently insufficient to determine the role of this variant in disease. Therefore, it has been classified as a Variant of Uncertain Significance.